The following is an entry in ClinVar:

NM_001042492.3(NF1):c.3198-312_3198-297del

Gene: NF1 (neurofibromin 1; plus strand). Cytogenetic location: 17q11.2.
Variant type: Deletion.
Coding change: c.3198-312_3198-297del on transcript NM_001042492.3 (MANE Select); 312 bases into the intron before coding-DNA position 3198 through 297 bases into the intron before coding-DNA position 3198, 16 bases deleted (GTGGTTGAATCCATGG).
Molecular consequence: intron variant.
Genome position (GRCh38, 1-based): chr17:31,231,761-31,231,776, GTGGTTGAATCCATGG deleted; deleting any 16 consecutive bases within chr17:31,231,752-31,231,776 gives the same sequence; the c. name uses the placement nearest the transcript's 3' end. VCF-style (leftmost placement, unchanged base first): chr17-31231751-CAATCCATGGGTGGTTG-C. GRCh37 (hg19) VCF-style: chr17-29558769-CAATCCATGGGTGGTTG-C.
Other names: c.3198-312_3198-297del (NM_000267.4).
Identifiers: ClinVar variation 2693973 (VCV002693973.3), dbSNP rs2508219956, ClinGen allele CA2697559781.

ClinVar aggregate classification (germline): Uncertain significance (1 of 4 stars; one submission).

Conditions:
Neurofibromatosis, type 1 (NF1). Also called: Peripheral type neurofibromatosis; VON RECKLINGHAUSEN DISEASE; Neurofibromatosis, type I; NEUROFIBROMATOSIS, TYPE I, SOMATIC. Identifiers: Orphanet 636, MedGen C0027831, MONDO:0018975, OMIM 162200. Disease mechanism: loss of function.

Submission:

Labcorp Genetics (formerly Invitae), Labcorp
Classification: Uncertain significance for Neurofibromatosis, type 1. Last evaluated: 2023-11-07. Review status: criteria provided, single submitter. Criteria: Invitae Variant Classification Sherloc (09022015). Collection method: clinical testing. Allele origin: germline.
Comment: This sequence change falls in intron 24 of the NF1 gene. It does not directly change the encoded amino acid sequence of the NF1 protein. This variant is not present in population databases (gnomAD no frequency). This variant has not been reported in the literature in individuals affected with NF1-related conditions. Experimental studies and prediction algorithms are not available or were not evaluated, and the effect of this variant on mRNA splicing is currently unknown. In summary, the available evidence is currently insufficient to determine the role of this variant in disease. Therefore, it has been classified as a Variant of Uncertain Significance.